The following is an entry in ClinVar:

ClinVar aggregate classification (germline): Conflicting classifications of pathogenicity. Review status: criteria provided, conflicting classifications (1 of 4 stars). 5 submissions from 5 submitters: Uncertain significance (2); Benign (1); Likely benign (1). 1 of the submissions does not count toward it. Last evaluated 2026-01-14.

Conditions:
ZNF469-related disorder. Also called: ZNF469-related condition.
Cardiovascular phenotype. Identifiers: MedGen CN230736.

Allele frequency attached by ClinVar (database versions not stated): gnomAD exomes 0.00005 and 0.00006; ExAC 0.00013; 1000 Genomes Project 30x 0.00016; TOPMed 0.00018; 1000 Genomes Project 0.00020; gnomAD 0.00020.
gnomAD v4.1: 97 of 1,549,246 alleles (0.0063%); highest among the groups gnomAD compares: African/African-American, 0.049%; no homozygotes.

Submissions (5):

Women's Health and Genetics/Laboratory Corporation of America, LabCorp
Classification: Uncertain significance. Last evaluated: 2026-01-14. Review status: criteria provided, single submitter. Criteria: LabCorp Variant Classification Summary - May 2015. Collection method: clinical testing. Allele origin: germline.
Comment: Variant summary: ZNF469 c.4907A>G (p.His1636Arg) results in a non-conservative amino acid change in the encoded protein sequence. Algorithms developed to predict the effect of missense changes on protein structure and function are either unavailable or do not agree on the potential impact of this missense change. The variant allele was found at a frequency of 6e-05 in 150720 control chromosomes. The available data on variant occurrences in the general population are insufficient to allow any conclusion about variant significance. To our knowledge, no occurrence of c.4907A>G in individuals affected with ZNF469-related conditions and no experimental evidence demonstrating its impact on protein function have been reported. ClinVar contains an entry for this variant (Variation ID: 320932). Based on the evidence outlined above, the variant was classified as uncertain significance.

Mayo Clinic Laboratories, Mayo Clinic
Classification: Benign. Last evaluated: 2025-06-11. Review status: criteria provided, single submitter. Criteria: ACMG Guidelines, 2015. Collection method: clinical testing. Allele origin: germline. Observed: 3 variant alleles.
Comment: BS1, BP4_strong

Ambry Genetics
Classification: Likely benign for Cardiovascular phenotype. Last evaluated: 2024-08-07. Review status: criteria provided, single submitter. Criteria: Ambry Variant Classification Scheme 2023. Collection method: clinical testing. Allele origin: germline.

Labcorp Genetics (formerly Invitae), Labcorp
Classification: Uncertain significance. Last evaluated: 2024-05-08. Review status: criteria provided, single submitter. Criteria: Invitae Variant Classification Sherloc (09022015). Collection method: clinical testing. Allele origin: germline.
Comment: This sequence change replaces histidine, which is basic and polar, with arginine, which is basic and polar, at codon 1608 of the ZNF469 protein (p.His1608Arg). This variant is present in population databases (rs557636016, gnomAD 0.06%). This variant has not been reported in the literature in individuals affected with ZNF469-related conditions. ClinVar contains an entry for this variant (Variation ID: 320932). Algorithms developed to predict the effect of missense changes on protein structure and function output the following: SIFT: "Not Available"; PolyPhen-2: "Benign"; Align-GVGD: "Not Available". The arginine amino acid residue is found in multiple mammalian species, which suggests that this missense change does not adversely affect protein function. In summary, the available evidence is currently insufficient to determine the role of this variant in disease. Therefore, it has been classified as a Variant of Uncertain Significance.

PreventionGenetics, part of Exact Sciences
Classification: Uncertain significance for ZNF469-related condition. Last evaluated: 2023-11-30. Review status: no assertion criteria provided. Collection method: clinical testing. Allele origin: germline. Not counted in ClinVar's aggregate classification.
Comment: The ZNF469 c.4823A>G variant is predicted to result in the amino acid substitution p.His1608Arg. To our knowledge, this variant has not been reported in the literature. This variant is reported in 0.056% of alleles in individuals of African descent in gnomAD. Although we suspect that this variant may be benign, at this time, the clinical significance of this variant is uncertain due to the absence of conclusive functional and genetic evidence.

NM_001367624.2(ZNF469):c.4907A>G (p.His1636Arg)

Gene: ZNF469 (zinc finger protein 469; plus strand). Cytogenetic location: 16q24.2.
Variant type: single nucleotide variant.
Coding change: c.4907A>G on transcript NM_001367624.2 (MANE Select); coding-DNA position 4907, A replaced by G.
Protein change: p.His1636Arg; replaces histidine 1636 with arginine.
Molecular consequence: missense variant.
Genome position (GRCh38, 1-based): chr16:88,432,377, A>G. VCF-style: chr16-88432377-A-G. GRCh37 (hg19) VCF-style: chr16-88498785-A-G.
Other names: NM_001127464.2:c.4823A>G; p.His1636Arg; short protein forms H1636R.
Identifiers: ClinVar variation 320932 (VCV000320932.15), dbSNP rs557636016, ClinGen allele CA8225023.